The following is an entry in ClinVar:

NM_005562.3(LAMC2):c.2967G>C (p.Lys989Asn)

Gene: LAMC2 (laminin subunit gamma 2; plus strand). Cytogenetic location: 1q25.3.
Variant type: single nucleotide variant.
Coding change: c.2967G>C on transcript NM_005562.3 (MANE Select); coding-DNA position 2967, G replaced by C.
Protein change: p.Lys989Asn; replaces lysine 989 with asparagine.
Molecular consequence: missense variant.
Genome position (GRCh38, 1-based): chr1:183,239,461, G>C. VCF-style: chr1-183239461-G-C. GRCh37 (hg19) VCF-style: chr1-183208596-G-C.
Other names: c.2967G>C, p.Lys989Asn (NM_018891.3); short protein forms K989N.
Identifiers: ClinVar variation 451507 (VCV000451507.3), dbSNP rs1553267625, ClinGen allele CA343659412.
Genomic context (GRCh38, chr1:183,239,461, plus strand): 5'-TGAAGAAGCCATGAAGAGACTCTCCTACATCAGCCAGAAGGTTTCAGATGCCAGTGACAA[G>C]ACCCAGCAAGCAGAAAGAGCCCTGGGGAGCGCTGCTGCTGATGCACAGAGGGCAAAGAAT-3'
Protein context (NP_005553.2, residues 979-999): ISQKVSDASD[Lys989Asn]TQQAERALGS

ClinVar aggregate classification (germline): Uncertain significance. Review status: criteria provided, multiple submitters, no conflicts (2 of 4 stars). 2 submissions from 2 submitters: Uncertain significance (2). Last evaluated 2025-04-28.

Conditions:
Inborn genetic diseases. Identifiers: MedGen C0950123, MeSH D030342.

gnomAD v4.1: 12 of 1,614,156 alleles (0.00074%); highest among the groups gnomAD compares: Non-Finnish European, 0.001%; no homozygotes.

Submissions (2):

Ambry Genetics
Classification: Uncertain significance for Inborn genetic diseases. Last evaluated: 2025-04-28. Review status: criteria provided, single submitter. Criteria: Ambry Variant Classification Scheme 2023. Collection method: clinical testing. Allele origin: germline.

GeneDx
Classification: Uncertain significance. Last evaluated: 2017-08-21. Review status: criteria provided, single submitter. Criteria: GeneDx Variant Classification (06012015). Collection method: clinical testing. Allele origin: germline. Affected: yes.
Comment: The K989N variant in the LAMC2 gene has not been reported previously as a pathogenic variant, nor as a benign variant, to our knowledge. This variant is not observed in large population cohorts (Lek et al., 2016; 1000 Genomes Consortium et al., 2015; Exome Variant Server). The K989N variant is a semi-conservative amino acid substitution, which may impact secondary protein structure as these residues differ in some properties. In addition, in silico analysis predicts the K989N variant is probably damaging to the protein structure/function. However, this substitution occurs at a position that is not conserved across species. Therefore, we interpret K989N as a variant of uncertain significance.